The following is an entry in ClinVar:

NM_015570.4(AUTS2):c.746C>T (p.Pro249Leu)

Gene: AUTS2 (activator of transcription and developmental regulator AUTS2; plus strand). Cytogenetic location: 7q11.22.
Variant type: single nucleotide variant.
Coding change: c.746C>T on transcript NM_015570.4 (MANE Select); coding-DNA position 746, C replaced by T.
Protein change: p.Pro249Leu; replaces proline 249 with leucine.
Molecular consequence: missense variant.
Genome position (GRCh38, 1-based): chr7:70,762,873, C>T. VCF-style: chr7-70762873-C-T. GRCh37 (hg19) VCF-style: chr7-70227859-C-T.
Other names: c.746C>T (NM_015570.2); c.746C>T, p.Pro249Leu (NM_001127231.3); short protein forms P249L.
Identifiers: ClinVar variation 3670699 (VCV003670699.3).

ClinVar aggregate classification (germline): Uncertain significance. Review status: criteria provided, multiple submitters, no conflicts (2 of 4 stars). 2 submissions from 2 submitters: Uncertain significance (2). Last evaluated 2025-11-19.

Conditions:
Inborn genetic diseases. Identifiers: MedGen C0950123, MeSH D030342.

gnomAD v4.1: 19 of 1,610,138 alleles (0.0012%); highest among the groups gnomAD compares: South Asian, 0.0033%; no homozygotes.

Submissions (2):

Ambry Genetics
Classification: Uncertain significance for Inborn genetic diseases. Last evaluated: 2025-11-19. Review status: criteria provided, single submitter. Criteria: Ambry Variant Classification Scheme 2023. Collection method: clinical testing. Allele origin: germline.
Comment: The c.746C>T (p.P249L) alteration is located in exon 7 (coding exon 7) of the AUTS2 gene. This alteration results from a C to T substitution at nucleotide position 746, causing the proline (P) at amino acid position 249 to be replaced by a leucine (L). Based on data from gnomAD, the T allele has an overall frequency of 0.001% (3/282654) total alleles studied. The highest observed frequency was 0.007% (2/30608) of South Asian alleles. Based on insufficient or conflicting evidence, the clinical significance of this alteration remains unclear.

Labcorp Genetics (formerly Invitae), Labcorp
Classification: Uncertain significance. Last evaluated: 2025-10-26. Review status: criteria provided, single submitter. Criteria: Invitae Variant Classification Sherloc (09022015). Collection method: clinical testing. Allele origin: germline.
Comment: This sequence change replaces proline, which is neutral and non-polar, with leucine, which is neutral and non-polar, at codon 249 of the AUTS2 protein (p.Pro249Leu). This variant is present in population databases (rs771454541, gnomAD 0.006%). This variant has not been reported in the literature in individuals affected with AUTS2-related conditions. ClinVar contains an entry for this variant (Variation ID: 3670699). An algorithm developed to predict the effect of missense changes on protein structure and function (PolyPhen-2) suggests that this variant is likely to be tolerated. In summary, the available evidence is currently insufficient to determine the role of this variant in disease. Therefore, it has been classified as a Variant of Uncertain Significance.